The following is an entry in ClinVar:

NM_002471.4(MYH6):c.2533G>A (p.Ala845Thr)

Gene: MYH6 (myosin heavy chain 6; minus strand). Cytogenetic location: 14q11.2.
Variant type: single nucleotide variant.
Coding change: c.2533G>A on transcript NM_002471.4 (MANE Select); coding-DNA position 2533, G replaced by A.
Protein change: p.Ala845Thr; replaces alanine 845 with threonine.
Molecular consequence: missense variant.
Genome position (GRCh38, 1-based): chr14:23,394,220, C>T on the plus strand (G>A on the coding strand, the complement: MYH6 is on the minus strand). VCF-style: chr14-23394220-C-T. GRCh37 (hg19) VCF-style: chr14-23863429-C-T.
Other names: short protein forms A845T.
Identifiers: ClinVar variation 1061460 (VCV001061460.14), dbSNP rs989813600, ClinGen allele CA257787534.
Genomic context (GRCh38, chr14:23,394,220, plus strand): 5'-GCGTCTCTTTGATGCGCCCGAACTCTTCCTTCATGGTGGCCATCTCCTTCTCCGTCTCTG[C>T]GCTCTTCAGCAGCGGCTTGATCTTGAAGTAGAGCTTCATCCAGGGCCAATTCTTGACCCC-3'
Protein context (NP_002462.2, residues 835-855): YFKIKPLLKS[Ala845Thr]ETEKEMATMK

ClinVar aggregate classification (germline): Uncertain significance. Review status: criteria provided, multiple submitters, no conflicts (2 of 4 stars). 5 submissions from 5 submitters: Uncertain significance (5). Last evaluated 2026-06-30.

Conditions:
Hypertrophic cardiomyopathy 14. Identifiers: MedGen C2750467, MONDO:0013197, OMIM 613251.
Atrial septal defect 3 (ASD3). Identifiers: Orphanet 1478, MedGen C3279790, MONDO:0013567, OMIM 614089.
Dilated cardiomyopathy 1EE (CMD1EE). Identifiers: Orphanet 154, MedGen C2750466, MONDO:0013198, OMIM 613252.
Hypertrophic cardiomyopathy 1 (CMH1). Also called: Familial hypertrophic cardiomyopathy 1; MYH7-Related Familial Hypertrophic Cardiomyopathy. Identifiers: MedGen C3495498, MONDO:0008647, OMIM 192600.
Sick sinus syndrome 3, susceptibility to (SSS3). Identifiers: Orphanet 166282, MedGen C3279791, MONDO:0013568, OMIM 614090.
MYH6-related disorder. Also called: MYH6-Related Disorders; MYH6-related condition.
Cardiovascular phenotype. Identifiers: MedGen CN230736.

Allele frequency attached by ClinVar (database versions not stated): gnomAD 0.00002; gnomAD exomes 0.00003 and 0.00001; TOPMed 0.00001.
gnomAD v4.1: 44 of 1,614,094 alleles (0.0027%); highest among the groups gnomAD compares: East Asian, 0.024%; no homozygotes.

Submissions (5):

Women's Health and Genetics/Laboratory Corporation of America, LabCorp
Classification: Uncertain significance. Last evaluated: 2026-06-30. Review status: criteria provided, single submitter. Criteria: LabCorp Variant Classification Summary - May 2015. Collection method: clinical testing. Allele origin: germline.
Comment: Variant summary: MYH6 c.2533G>A (p.Ala845Thr) results in a non-conservative amino acid change in the encoded protein sequence. Algorithms developed to predict the effect of missense changes on protein structure and function all suggest that this variant is likely to be disruptive. The variant allele was found at a frequency of 1.2e-05 in 251480 control chromosomes. The available data on variant occurrences in the general population are insufficient to allow any conclusion about variant significance. To our knowledge, no occurrence of c.2533G>A in individuals affected with MYH6-related conditions and no experimental evidence demonstrating its impact on protein function have been reported. ClinVar contains an entry for this variant (Variation ID: 1061460). Based on the evidence outlined above, the variant was classified as uncertain significance.

Labcorp Genetics (formerly Invitae), Labcorp
Classification: Uncertain significance for Hypertrophic cardiomyopathy 14. Last evaluated: 2025-10-01. Review status: criteria provided, single submitter. Criteria: Invitae Variant Classification Sherloc (09022015). Collection method: clinical testing. Allele origin: germline.
Comment: This sequence change replaces alanine, which is neutral and non-polar, with threonine, which is neutral and polar, at codon 845 of the MYH6 protein (p.Ala845Thr). This variant is present in population databases (no rsID available, gnomAD 0.006%). This variant has not been reported in the literature in individuals affected with MYH6-related conditions. ClinVar contains an entry for this variant (Variation ID: 1061460). Invitae Evidence Modeling of protein sequence and biophysical properties (such as structural, functional, and spatial information, amino acid conservation, physicochemical variation, residue mobility, and thermodynamic stability) indicates that this missense variant is not expected to disrupt MYH6 protein function with a negative predictive value of 80%. In summary, the available evidence is currently insufficient to determine the role of this variant in disease. Therefore, it has been classified as a Variant of Uncertain Significance.

Ambry Genetics
Classification: Uncertain significance for Cardiovascular phenotype. Last evaluated: 2024-12-04. Review status: criteria provided, single submitter. Criteria: Ambry Variant Classification Scheme 2023. Collection method: clinical testing. Allele origin: germline.
Comment: The c.2533G>A (p.A845T) alteration is located in exon 21 (coding exon 19) of the MYH6 gene. This alteration results from a G to A substitution at nucleotide position 2533, causing the alanine (A) at amino acid position 845 to be replaced by a threonine (T). Based on data from gnomAD, the A allele has an overall frequency of 0.001% (3/251480) total alleles studied. The highest observed frequency was 0.006% (2/34592) of Latino alleles. This amino acid position is highly conserved in available vertebrate species. The in silico prediction for this alteration is inconclusive. Based on insufficient or conflicting evidence, the clinical significance of this alteration remains unclear.

PreventionGenetics, part of Exact Sciences
Classification: Uncertain significance for MYH6-related condition. Last evaluated: 2022-09-20. Review status: criteria provided, single submitter. Criteria: ACMG Guidelines, 2015. Collection method: clinical testing. Allele origin: germline.
Comment: The MYH6 c.2533G>A variant is predicted to result in the amino acid substitution p.Ala845Thr. To our knowledge, this variant has not been reported in the literature. This variant is reported in 0.0058% of alleles in individuals of Latino descent in gnomAD. At this time, the clinical significance of this variant is uncertain due to the absence of conclusive functional and genetic evidence.

Fulgent Genetics
Classification: Uncertain significance for Hypertrophic cardiomyopathy 1; Hypertrophic cardiomyopathy 14; Dilated cardiomyopathy 1EE; Atrial septal defect 3; Sick sinus syndrome 3, susceptibility to. Last evaluated: 2021-10-14. Review status: criteria provided, single submitter. Criteria: ACMG Guidelines, 2015. Collection method: clinical testing. Allele origin: unknown.